The following is an entry in ClinVar:

NM_001999.4(FBN2):c.2588A>G (p.Asn863Ser)

Gene: FBN2 (fibrillin 2; minus strand). Cytogenetic location: 5q23.3.
Variant type: single nucleotide variant.
Coding change: c.2588A>G on transcript NM_001999.4 (MANE Select); coding-DNA position 2588, A replaced by G.
Protein change: p.Asn863Ser; replaces asparagine 863 with serine.
Molecular consequence: missense variant.
Genome position (GRCh38, 1-based): chr5:128,357,362, T>C on the plus strand (A>G on the coding strand, the complement: FBN2 is on the minus strand). VCF-style: chr5-128357362-T-C. GRCh37 (hg19) VCF-style: chr5-127693054-T-C.
Other names: p.Asn863Ser; short protein forms N863S.
Identifiers: ClinVar variation 2682904 (VCV002682904.5), dbSNP rs781700589, ClinGen allele CA3395494.

ClinVar aggregate classification (germline): Conflicting classifications of pathogenicity. Review status: criteria provided, conflicting classifications (1 of 4 stars). 3 submissions from 3 submitters: Uncertain significance (2); Likely benign (1). Last evaluated 2026-08-29.

Conditions:
Congenital contractural arachnodactyly (CCA). Also called: BEALS SYNDROME; Beals-Hecht syndrome; Arthrogryposis, distal, type 9. Identifiers: Orphanet 115, MedGen C0220668, MONDO:0007363, OMIM 121050.
Familial thoracic aortic aneurysm and aortic dissection (TAAD). Also called: Thoracic aortic aneurysms and dissections. Identifiers: Orphanet 91387, MedGen C4707243, MONDO:0019625.

Allele frequency attached by ClinVar (database versions not stated): TOPMed 0.00001; gnomAD exomes 0.00001; ExAC 0.00001; gnomAD 0.00001.
gnomAD v4.1: 9 of 1,613,772 alleles (0.00056%); highest among the groups gnomAD compares: Non-Finnish European, 0.00076%; no homozygotes.

Submissions (3):

Ambry Genetics
Classification: Uncertain significance for Familial thoracic aortic aneurysm and aortic dissection. Last evaluated: 2026-08-29. Review status: criteria provided, single submitter. Criteria: Ambry Variant Classification Scheme 2023. Collection method: clinical testing. Allele origin: germline.
Comment: The p.N863S variant (also known as c.2588A>G), located in coding exon 20 of the FBN2 gene, results from an A to G substitution at nucleotide position 2588. The asparagine at codon 863 is replaced by serine, an amino acid with highly similar properties. This amino acid position is conserved. In addition, this alteration is predicted to be tolerated by in silico analysis. Based on the available evidence, the clinical significance of this variant remains unclear.

Labcorp Genetics (formerly Invitae), Labcorp
Classification: Likely benign for Congenital contractural arachnodactyly. Last evaluated: 2025-07-03. Review status: criteria provided, single submitter. Criteria: Invitae Variant Classification Sherloc (09022015). Collection method: clinical testing. Allele origin: germline.

Mayo Clinic Laboratories, Mayo Clinic
Classification: Uncertain significance. Last evaluated: 2022-08-25. Review status: criteria provided, single submitter. Criteria: ACMG Guidelines, 2015. Collection method: clinical testing. Allele origin: germline. Observed: 1 variant allele.
Comment: BS1